The following is an entry in ClinVar:

ClinVar aggregate classification (germline): Conflicting classifications of pathogenicity. Review status: criteria provided, conflicting classifications (1 of 4 stars). 5 submissions from 5 submitters: Uncertain significance (1); Likely benign (4). Last evaluated 2026-01-02.

Conditions:
Inborn genetic diseases. Identifiers: MedGen C0950123, MeSH D030342.
MTMR2-related disorder. Also called: MTMR2-related condition.
Charcot-Marie-Tooth disease type 4B1. Also called: CHARCOT-MARIE-TOOTH DISEASE, DEMYELINATING, TYPE 4B1; CHARCOT-MARIE-TOOTH DISEASE, AUTOSOMAL RECESSIVE, WITH FOCALLY FOLDED MYELIN SHEATHS, AUTOSOMAL RECESSIVE, TYPE 4B1; CHARCOT-MARIE-TOOTH DISEASE, TYPE 4B; Charcot-Marie-Tooth Neuropathy Type 4B1. Identifiers: Orphanet 99955, MedGen C1832399, MONDO:0011066, OMIM 601382.
Charcot-Marie-Tooth disease type 4. Also called: Charcot-Marie-Tooth disease, type IV; Charcot-Marie-Tooth, Type 4. Identifiers: Orphanet 64749, MedGen C4082197, MONDO:0018995.

Allele frequency attached by ClinVar (database versions not stated): ExAC 0.00005; gnomAD 0.00005; TOPMed 0.00005; gnomAD exomes 0.00007.
gnomAD v4.1: 63 of 1,611,004 alleles (0.0039%); highest among the groups gnomAD compares: South Asian, 0.024%; no homozygotes.

Submissions (5):

PreventionGenetics, part of Exact Sciences
Classification: Likely benign for MTMR2-related condition. Last evaluated: 2026-01-02. Review status: criteria provided, single submitter. Criteria: ACMG Guidelines, 2015. Collection method: clinical testing. Allele origin: germline.
Comment: This variant is classified as likely benign based on ACMG/AMP sequence variant interpretation guidelines (Richards et al. 2015 PMID: 25741868, with internal and published modifications).

Labcorp Genetics (formerly Invitae), Labcorp
Classification: Likely benign for Charcot-Marie-Tooth disease type 4. Last evaluated: 2024-09-23. Review status: criteria provided, single submitter. Criteria: Invitae Variant Classification Sherloc (09022015). Collection method: clinical testing. Allele origin: germline.

Ambry Genetics
Classification: Likely benign for Inborn genetic diseases. Last evaluated: 2019-07-11. Review status: criteria provided, single submitter. Criteria: Ambry Variant Classification Scheme 2023. Collection method: clinical testing. Allele origin: germline.

GeneDx
Classification: Likely benign. Last evaluated: 2018-02-02. Review status: criteria provided, single submitter. Criteria: GeneDx Variant Classification (06012015). Collection method: clinical testing. Allele origin: germline. Affected: yes.
Comment: This variant is considered likely benign or benign based on one or more of the following criteria: it is a conservative change, it occurs at a poorly conserved position in the protein, it is predicted to be benign by multiple in silico algorithms, and/or has population frequency not consistent with disease.

Illumina Laboratory Services, Illumina
Classification: Uncertain significance for Charcot-Marie-Tooth disease type 4B1. Last evaluated: 2018-01-13. Review status: criteria provided, single submitter. Criteria: ICSL Variant Classification Criteria 13 December 2019. Collection method: clinical testing. Allele origin: germline.

NM_016156.6(MTMR2):c.1551C>T (p.Phe517=)

Gene: MTMR2 (myotubularin related protein 2; minus strand). Cytogenetic location: 11q21.
Variant type: single nucleotide variant.
Coding change: c.1551C>T on transcript NM_016156.6 (MANE Select); coding-DNA position 1551, C replaced by T.
Protein change: p.Phe517=; no amino-acid change (phenylalanine 517 retained).
Molecular consequence: synonymous variant.
Genome position (GRCh38, 1-based): chr11:95,838,136, G>A on the plus strand (C>T on the coding strand, the complement: MTMR2 is on the minus strand). VCF-style: chr11-95838136-G-A. GRCh37 (hg19) VCF-style: chr11-95571300-G-A.
Other names: c.1335C>T, p.Phe445= (NM_001243571.2, NM_201278.3, NM_201281.3).
Identifiers: ClinVar variation 306537 (VCV000306537.18), dbSNP rs775961979, ClinGen allele CA6239950.
Genomic context (GRCh38, chr11:95,838,136, plus strand): 5'-TCATGTTTCATATTTTACCTCTTTTCCTCTCTGTTGTTCACTATTACAGAGGAATGTTCC[G>A]AATAAGCAGCTGTATAGGTGGTCCAAAATGGTAATGAGAAAATACTCATTGAATTCAAAT-3'
Protein context (NP_057240.3, residues 507-527): TILDHLYSCL[Phe517=]GTFLCNSEQQ